The following is an entry in ClinVar:

NM_002397.5(MEF2C):c.72G>A (p.Arg24=)

Gene: MEF2C (myocyte enhancer factor 2C; minus strand). Cytogenetic location: 5q14.3.
Variant type: single nucleotide variant.
Coding change: c.72G>A on transcript NM_002397.5 (MANE Select); coding-DNA position 72, G replaced by A.
Protein change: p.Arg24=; no amino-acid change (arginine 24 retained).
Molecular consequence: synonymous variant.
Genome position (GRCh38, 1-based): chr5:88,804,784, C>T on the plus strand (G>A on the coding strand, the complement: MEF2C is on the minus strand). VCF-style: chr5-88804784-C-T. GRCh37 (hg19) VCF-style: chr5-88100601-C-T.
Other names: c.72G>A, p.Arg24= (NM_001131005.2, NM_001193347.1, NM_001193348.1 and 29 more transcripts).
Identifiers: ClinVar variation 387223 (VCV000387223.4), dbSNP rs1057522729, ClinGen allele CA16604833.

ClinVar aggregate classification (germline): Likely benign. Review status: criteria provided, multiple submitters, no conflicts (2 of 4 stars). 2 submissions from 2 submitters: Likely benign (2). Last evaluated 2025-09-27.

Conditions:
Neurodevelopmental disorder with hypotonia, stereotypic hand movements, and impaired language. Also called: Intellectual disability, autosomal dominant 20. Identifiers: Orphanet 228384, Orphanet 664410, MedGen C3150700, MONDO:0013266, OMIM 613443.

Allele frequency attached by ClinVar (database versions not stated): gnomAD exomes below 0.00001.
gnomAD v4.1: 1 of 1,613,886 alleles (0.000062%); highest among the groups gnomAD compares: Admixed American, 0.0017%; no homozygotes.

Submissions (2):

Labcorp Genetics (formerly Invitae), Labcorp
Classification: Likely benign for Neurodevelopmental disorder with hypotonia, stereotypic hand movements, and impaired language. Last evaluated: 2025-09-27. Review status: criteria provided, single submitter. Criteria: Invitae Variant Classification Sherloc (09022015). Collection method: clinical testing. Allele origin: germline.

GeneDx
Classification: Likely benign. Last evaluated: 2016-07-06. Review status: criteria provided, single submitter. Criteria: GeneDx Variant Classification (06012015). Collection method: clinical testing. Allele origin: germline. Affected: yes.
Comment: This variant is considered likely benign or benign based on one or more of the following criteria: it is a conservative change, it occurs at a poorly conserved position in the protein, it is predicted to be benign by multiple in silico algorithms, and/or has population frequency not consistent with disease.